The following is an entry in ClinVar:

ClinVar aggregate classification (germline): Uncertain significance (1 of 4 stars; one submission).

Conditions:
Cardiovascular phenotype. Identifiers: MedGen CN230736.

Submission:

Ambry Genetics
Classification: Uncertain significance for Cardiovascular phenotype. Last evaluated: 2025-08-31. Review status: criteria provided, single submitter. Criteria: Ambry Variant Classification Scheme 2023. Collection method: clinical testing. Allele origin: germline.
Comment: The p.D821E variant (also known as c.2463T>A), located in coding exon 6 of the ALPK3 gene, results from a T to A substitution at nucleotide position 2463. The aspartic acid at codon 821 is replaced by glutamic acid, an amino acid with highly similar properties. This amino acid position is conserved. In addition, this alteration is predicted to be tolerated by in silico analysis. Based on the available evidence, the clinical significance of this variant remains unclear.

NM_020778.5(ALPK3):c.1857T>A (p.Asp619Glu)

Gene: ALPK3 (alpha kinase 3; plus strand). Cytogenetic location: 15q25.3.
Variant type: single nucleotide variant.
Coding change: c.1857T>A on transcript NM_020778.5 (MANE Select); coding-DNA position 1857, T replaced by A.
Protein change: p.Asp619Glu; replaces aspartic acid 619 with glutamic acid.
Molecular consequence: missense variant.
Genome position (GRCh38, 1-based): chr15:84,856,595, T>A. VCF-style: chr15-84856595-T-A. GRCh37 (hg19) VCF-style: chr15-85399826-T-A.
Other names: short protein forms D619E.
Identifiers: ClinVar variation 4089247 (VCV004089247.1).